The following is an entry in ClinVar:

ClinVar aggregate classification (germline): Likely pathogenic (1 of 4 stars; one submission).

Conditions:
Deficiency of steroid 17-alpha-monooxygenase. Also called: ADRENAL HYPERPLASIA V; 17-ALPHA-HYDROXYLASE DEFICIENCY; Congenital adrenal hyperplasia due to 17-alpha-hydroxylase deficiency; Congenital adrenal hyperplasia type 5; 17-alpha-hydroxylase/17,20-lyase deficiency. Identifiers: Orphanet 90793, MedGen C0268285, MONDO:0008730, OMIM 202110.

Submission:

Natera, Inc.
Classification: Likely pathogenic for Deficiency of steroid 17-alpha-monooxygenase. Last evaluated: 2024-10-21. Review status: criteria provided, single submitter. Criteria: Natera Variant Classification Schema (03/2026). Collection method: clinical testing. Allele origin: germline.
Comment: The c.731dup variant in CYP17A1 is a frameshift variant predicted to shift the reading frame beginning at codon 244 and leads to a stop codon 2 codons downstream. This variant is expected to result in nonsense mediated decay, truncation, or a dysfunctional protein product. This variant is rare in the general population with a frequency below the threshold expected for the associated phenotype(s). Given the available evidence, this variant is classified as Likely Pathogenic.

NM_000102.4(CYP17A1):c.731dup (p.Asn244fs)

Genes: CYP17A1-AS1 (CYP17A1 antisense RNA 1; plus strand), CYP17A1 (cytochrome P450 family 17 subfamily A member 1; minus strand). Cytogenetic location: 10q24.32.
Variant type: Duplication.
Coding change: c.731dup on transcript NM_000102.4 (MANE Select); coding-DNA position 731, one base duplicated (A; older notation c.731dupA).
Protein change: p.Asn244fs; shifts the reading frame from asparagine 244.
Molecular consequence: frameshift variant.
Genome position (GRCh38, 1-based): chr10:102,834,058, T duplicated on the plus strand (A on the coding strand, the reverse complement: CYP17A1 is on the minus strand); the first of 2 consecutive T bases (chr10:102,834,058-102,834,059); duplicating either gives the same sequence. VCF-style (leftmost placement, unchanged base first): chr10-102834057-A-AT. GRCh37 (hg19) VCF-style: chr10-104593814-A-AT.
Other names: short protein forms N244fs.
Identifiers: ClinVar variation 4817442 (VCV004817442.1).